The following is an entry in ClinVar:

NM_017763.6(RNF43):c.1663C>T (p.His555Tyr)

Gene: RNF43 (ring finger protein 43; minus strand). Cytogenetic location: 17q22.
Variant type: single nucleotide variant.
Coding change: c.1663C>T on transcript NM_017763.6 (MANE Select); coding-DNA position 1663, C replaced by T.
Protein change: p.His555Tyr; replaces histidine 555 with tyrosine.
Molecular consequence: missense variant.
Genome position (GRCh38, 1-based): chr17:58,358,113, G>A on the plus strand (C>T on the coding strand, the complement: RNF43 is on the minus strand). VCF-style: chr17-58358113-G-A. GRCh37 (hg19) VCF-style: chr17-56435474-G-A.
Other names: c.1663C>T, p.His555Tyr (NM_001305544.3); c.1282C>T, p.His428Tyr (NM_001305545.2); short protein forms H555Y, H428Y.
Identifiers: ClinVar variation 3789923 (VCV003789923.1).

ClinVar aggregate classification (germline): Uncertain significance (1 of 4 stars; one submission).

gnomAD v4.1: 1 of 1,612,656 alleles (0.000062%); highest among the groups gnomAD compares: Non-Finnish European, 0.000085%; no homozygotes.

Submission:

Ambry Genetics
Classification: Uncertain significance. Last evaluated: 2025-02-02. Review status: criteria provided, single submitter. Criteria: Ambry Variant Classification Scheme 2023. Collection method: clinical testing. Allele origin: germline.
Comment: The p.H555Y variant (also known as c.1663C>T), located in coding exon 8 of the RNF43 gene, results from a C to T substitution at nucleotide position 1663. The histidine at codon 555 is replaced by tyrosine, an amino acid with similar properties. This amino acid position is conserved. In addition, this alteration is predicted to be tolerated by in silico analysis. Based on the available evidence, the clinical significance of this variant remains unclear.